The following is an entry in ClinVar:

ClinVar aggregate classification (germline): Uncertain significance. Review status: criteria provided, multiple submitters, no conflicts (2 of 4 stars). 4 submissions from 4 submitters: Uncertain significance (4). Last evaluated 2026-06-15.

Conditions:
COL4A1-related disorder. Also called: COL4A1-related condition; COL4A1-related disorders. Identifiers: MedGen CN376119, MONDO:0800461.
Inborn genetic diseases. Identifiers: MedGen C0950123, MeSH D030342.

Allele frequency attached by ClinVar (database versions not stated): gnomAD 0.00001.
gnomAD v4.1: 11 of 1,614,032 alleles (0.00068%); highest among the groups gnomAD compares: Admixed American, 0.0017%; no homozygotes.

Submissions (4):

PreventionGenetics, part of Exact Sciences
Classification: Uncertain significance for COL4A1-related condition. Last evaluated: 2026-06-15. Review status: criteria provided, single submitter. Criteria: ACMG Guidelines, 2015. Collection method: clinical testing. Allele origin: germline.
Comment: The COL4A1 c.4927A>C variant is predicted to result in the amino acid substitution p.Lys1643Gln. To our knowledge, this variant has not been reported in the literature. This variant is reported in 0.00088% of alleles in individuals of European (Non-Finnish) descent in gnomAD. Although we suspect that this variant may be benign, at this time, the clinical significance of this variant is uncertain due to the absence of conclusive functional and genetic evidence.

Labcorp Genetics (formerly Invitae), Labcorp
Classification: Uncertain significance. Last evaluated: 2025-11-19. Review status: criteria provided, single submitter. Criteria: Invitae Variant Classification Sherloc (09022015). Collection method: clinical testing. Allele origin: germline.
Comment: This sequence change replaces lysine, which is basic and polar, with glutamine, which is neutral and polar, at codon 1643 of the COL4A1 protein (p.Lys1643Gln). This variant is present in population databases (rs759141642, gnomAD 0.0009%). This variant has not been reported in the literature in individuals affected with COL4A1-related conditions. ClinVar contains an entry for this variant (Variation ID: 2187699). Experimental studies and prediction algorithms are not available or were not evaluated, and the functional significance of this variant is currently unknown. In summary, the available evidence is currently insufficient to determine the role of this variant in disease. Therefore, it has been classified as a Variant of Uncertain Significance.

Ambry Genetics
Classification: Uncertain significance for Inborn genetic diseases. Last evaluated: 2025-08-13. Review status: criteria provided, single submitter. Criteria: Ambry Variant Classification Scheme 2023. Collection method: clinical testing. Allele origin: germline.

GeneDx
Classification: Uncertain significance. Last evaluated: 2022-12-20. Review status: criteria provided, single submitter. Criteria: GeneDx Variant Classification Process June 2021. Collection method: clinical testing. Allele origin: germline. Affected: yes.
Comment: Not observed at significant frequency in large population cohorts (gnomAD); In silico analysis supports that this missense variant does not alter protein structure/function; Has not been previously published as pathogenic or benign to our knowledge

NM_001845.6(COL4A1):c.4927A>C (p.Lys1643Gln)

Gene: COL4A1 (collagen type IV alpha 1 chain; minus strand). Cytogenetic location: 13q34.
Variant type: single nucleotide variant.
Coding change: c.4927A>C on transcript NM_001845.6 (MANE Select); coding-DNA position 4927, A replaced by C.
Protein change: p.Lys1643Gln; replaces lysine 1643 with glutamine.
Molecular consequence: missense variant.
Genome position (GRCh38, 1-based): chr13:110,152,335, T>G on the plus strand (A>C on the coding strand, the complement: COL4A1 is on the minus strand). VCF-style: chr13-110152335-T-G. GRCh37 (hg19) VCF-style: chr13-110804682-T-G.
Other names: c.4927A>C (NM_001845.5, NM_001845.4); short protein forms K1643Q.
Identifiers: ClinVar variation 2187699 (VCV002187699.8), dbSNP rs759141642, ClinGen allele CA7046773.
Genomic context (GRCh38, chr13:110,152,335, plus strand): 5'-TTAAAAAATAAAGTCACAAAGGGGCCAGCAGCCTGCAAAAAAGCAGTGCTCCCACTTACT[T>G]GAACATCTCGCTCCTCTCTATGGTGGCGAGCCAAAAGCTGTAAGCGTTTGCGTAGTAATT-3'
Protein context (NP_001836.3, residues 1633-1653): LATIERSEMF[Lys1643Gln]KPTPSTLKAG